The following is an entry in ClinVar:

ClinVar aggregate classification (germline): Uncertain significance (1 of 4 stars; one submission).

Conditions:
Malignant hyperthermia, susceptibility to, 1 (MHS1). Also called: Anesthesia related hyperthermia; Malignant hyperpyrexia; Fulminating hyperpyrexia; Pharmacogenic myopathy; Malignant hyperthermia suceptibility 1; RYR1-Related Malignant Hyperthermia Susceptibility. Identifiers: Orphanet 423, MedGen C2930980, MONDO:0007783, OMIM 145600.

Submission:

All of Us Research Program, National Institutes of Health
Classification: Uncertain significance for Malignant hyperthermia, susceptibility to, 1. Last evaluated: 2024-09-23. Review status: criteria provided, single submitter. Criteria: ACMG Guidelines, 2015. Collection method: clinical testing. Allele origin: germline. Inheritance: Autosomal dominant inheritance. Observed: 1 variant allele, 1 heterozygote.
Comment: This study involves interpretation of variants in research participants for the purpose of population health screening. Participant phenotype was not available at the time of variant classification. Additional details can be found in publication PMID: 35346344, PMCID: PMC8962531

NM_000540.3(RYR1):c.8541+5A>C

Genes: RYR1 (ryanodine receptor 1; plus strand), LOC126862902 (BRD4-independent group 4 enhancer GRCh37_chr19:38995830-38997029; plus strand). Cytogenetic location: 19q13.2.
Variant type: single nucleotide variant.
Coding change: c.8541+5A>C on transcript NM_000540.3 (MANE Select); 5 bases into the intron after coding-DNA position 8541, A replaced by C.
Molecular consequence: intron variant.
Genome position (GRCh38, 1-based): chr19:38,505,951, A>C. VCF-style: chr19-38505951-A-C. GRCh37 (hg19) VCF-style: chr19-38996591-A-C.
Other names: c.8541+5A>C (NM_001042723.2).
Identifiers: ClinVar variation 3385477 (VCV003385477.1).